The following is an entry in ClinVar:

ClinVar aggregate classification (germline): Uncertain significance (1 of 4 stars; one submission).

gnomAD v4.1: 1 of 1,613,040 alleles (0.000062%); no homozygotes.

Submission:

Women's Health and Genetics/Laboratory Corporation of America, LabCorp
Classification: Uncertain significance. Last evaluated: 2025-07-25. Review status: criteria provided, single submitter. Criteria: LabCorp Variant Classification Summary - May 2015. Collection method: clinical testing. Allele origin: germline.
Comment: Variant summary: ARID1B c.2926A>T (p.Asn976Tyr) results in a non-conservative amino acid change in the encoded protein sequence. Algorithms developed to predict the effect of missense changes on protein structure and function are either unavailable or do not agree on the potential impact of this missense change. The variant allele was found at a frequency of 4e-06 in 250800 control chromosomes. The available data on variant occurrences in the general population are insufficient to allow any conclusion about variant significance. To our knowledge, no occurrence of c.2926A>T in individuals affected with Coffin-Siris Syndrome 1 and no experimental evidence demonstrating its impact on protein function have been reported. No submitters have cited clinical-significance assessments for this variant to ClinVar. Based on the evidence outlined above, the variant was classified as uncertain significance.

NM_001374828.1(ARID1B):c.2926A>T (p.Asn976Tyr)

Gene: ARID1B (AT-rich interaction domain 1B; plus strand). Cytogenetic location: 6q25.3.
Variant type: single nucleotide variant.
Coding change: c.2926A>T on transcript NM_001374828.1 (MANE Select); coding-DNA position 2926, A replaced by T.
Protein change: p.Asn976Tyr; replaces asparagine 976 with tyrosine.
Molecular consequence: missense variant.
Genome position (GRCh38, 1-based): chr6:157,148,788, A>T. VCF-style: chr6-157148788-A-T. GRCh37 (hg19) VCF-style: chr6-157469922-A-T.
Other names: c.427A>T, p.Asn143Tyr (NM_001363725.2, NM_001438488.1); c.2965A>T, p.Asn989Tyr (NM_001371656.1, NM_001374820.1); c.2926A>T, p.Asn976Tyr (NM_001438482.1, NM_017519.3); c.2968A>T, p.Asn990Tyr (NM_001438483.1, NM_001438486.1); c.2836A>T, p.Asn946Tyr (NM_001438485.1); c.2746A>T, p.Asn916Tyr (NM_001438487.1); short protein forms N990Y, N989Y, N946Y, N143Y, N916Y, N976Y.
Identifiers: ClinVar variation 4526198 (VCV004526198.1).
Genomic context (GRCh38, chr6:157,148,788, plus strand): 5'-GGGCCAAGCCAGCCATGTGGTGCTGTGCCCCTGGGACGAATGCCATCAGCTGGGATGCAG[A>T]ACAGACCATTTCCTGGAAATATGAGCAGCATGACCCCCAGTTCTCCTGGCATGTCTCAGC-3'
Protein context (NP_001361757.1, residues 966-986): LGRMPSAGMQ[Asn976Tyr]RPFPGNMSSM